The following is an entry in ClinVar:

ClinVar aggregate classification (germline): Uncertain significance. Review status: criteria provided, multiple submitters, no conflicts (2 of 4 stars). 3 submissions from 3 submitters: Uncertain significance (3). Last evaluated 2024-09-17.

Conditions:
Inborn genetic diseases. Identifiers: MedGen C0950123, MeSH D030342.

Allele frequency attached by ClinVar (database versions not stated): TOPMed below 0.00001; gnomAD 0.00001; gnomAD exomes 0.00001.
gnomAD v4.1: 9 of 1,614,046 alleles (0.00056%); highest among the groups gnomAD compares: Admixed American, 0.0083%; no homozygotes.

Submissions (3):

Labcorp Genetics (formerly Invitae), Labcorp
Classification: Uncertain significance. Last evaluated: 2024-09-17. Review status: criteria provided, single submitter. Criteria: Invitae Variant Classification Sherloc (09022015). Collection method: clinical testing. Allele origin: germline.
Comment: This sequence change replaces glutamic acid, which is acidic and polar, with lysine, which is basic and polar, at codon 1640 of the COL4A1 protein (p.Glu1640Lys). This variant is present in population databases (rs753360259, gnomAD 0.009%). This variant has not been reported in the literature in individuals affected with COL4A1-related conditions. ClinVar contains an entry for this variant (Variation ID: 2192165). Experimental studies and prediction algorithms are not available or were not evaluated, and the functional significance of this variant is currently unknown. In summary, the available evidence is currently insufficient to determine the role of this variant in disease. Therefore, it has been classified as a Variant of Uncertain Significance.

Ambry Genetics
Classification: Uncertain significance for Inborn genetic diseases. Last evaluated: 2024-08-01. Review status: criteria provided, single submitter. Criteria: Ambry Variant Classification Scheme 2023. Collection method: clinical testing. Allele origin: germline.

GeneDx
Classification: Uncertain significance. Last evaluated: 2024-04-19. Review status: criteria provided, single submitter. Criteria: GeneDx Variant Classification Process June 2021. Collection method: clinical testing. Allele origin: germline. Affected: yes.
Comment: In silico analysis indicates that this missense variant does not alter protein structure/function; Has not been previously published as pathogenic or benign to our knowledge

NM_001845.6(COL4A1):c.4918G>A (p.Glu1640Lys)

Gene: COL4A1 (collagen type IV alpha 1 chain; minus strand). Cytogenetic location: 13q34.
Variant type: single nucleotide variant.
Coding change: c.4918G>A on transcript NM_001845.6 (MANE Select); coding-DNA position 4918, G replaced by A.
Protein change: p.Glu1640Lys; replaces glutamic acid 1640 with lysine.
Molecular consequence: missense variant.
Genome position (GRCh38, 1-based): chr13:110,152,344, C>T on the plus strand (G>A on the coding strand, the complement: COL4A1 is on the minus strand). VCF-style: chr13-110152344-C-T. GRCh37 (hg19) VCF-style: chr13-110804691-C-T.
Other names: c.4918G>A (NM_001845.4); short protein forms E1640K.
Identifiers: ClinVar variation 2192165 (VCV002192165.5), dbSNP rs753360259, ClinGen allele CA256239209.
Genomic context (GRCh38, chr13:110,152,344, plus strand): 5'-AAAGTCACAAAGGGGCCAGCAGCCTGCAAAAAAGCAGTGCTCCCACTTACTTGAACATCT[C>T]GCTCCTCTCTATGGTGGCGAGCCAAAAGCTGTAAGCGTTTGCGTAGTAATTGCAGGTCCC-3'
Protein context (NP_001836.3, residues 1630-1650): SFWLATIERS[Glu1640Lys]MFKKPTPSTL